The following is an entry in ClinVar:

NM_006767.4(LZTR1):c.2360A>C (p.Asp787Ala)

Gene: LZTR1 (leucine zipper like post translational regulator 1; plus strand). Cytogenetic location: 22q11.21.
Variant type: single nucleotide variant.
Coding change: c.2360A>C on transcript NM_006767.4 (MANE Select); coding-DNA position 2360, A replaced by C.
Protein change: p.Asp787Ala; replaces aspartic acid 787 with alanine.
Molecular consequence: missense variant.
Genome position (GRCh38, 1-based): chr22:20,996,920, A>C. VCF-style: chr22-20996920-A-C. GRCh37 (hg19) VCF-style: chr22-21351209-A-C.
Other names: c.2360A>C (NM_006767.3); short protein forms D787A.
Identifiers: ClinVar variation 2710048 (VCV002710048.4), dbSNP rs2518626056, ClinGen allele CA410781040.
Genomic context (GRCh38, chr22:20,996,920, plus strand): 5'-GCGCCTCAAGGTCCCTGCCATTGCAGATCCTGGAGGCAGCTGACAAAACGCAGGCACTGG[A>C]CATGAAGCGGCACTGCCTGCACATCATTGTGCACCAGTTCACCAAGGTCAGGGCTCTGGC-3'
Protein context (NP_006758.2, residues 777-797): LEAADKTQAL[Asp787Ala]MKRHCLHIIV

ClinVar aggregate classification (germline): Uncertain significance. Review status: criteria provided, multiple submitters, no conflicts (2 of 4 stars). 2 submissions from 2 submitters: Uncertain significance (2). Last evaluated 2025-07-02.

Submissions (2):

GeneDx
Classification: Uncertain significance. Last evaluated: 2025-07-02. Review status: criteria provided, single submitter. Criteria: GeneDx Variant Classification Process June 2021. Collection method: clinical testing. Allele origin: germline. Affected: yes.
Comment: Not observed at significant frequency in large population cohorts (gnomAD); In silico analysis supports that this missense variant has a deleterious effect on protein structure/function; Has not been previously published as pathogenic or benign to our knowledge

Labcorp Genetics (formerly Invitae), Labcorp
Classification: Uncertain significance. Last evaluated: 2024-01-18. Review status: criteria provided, single submitter. Criteria: Invitae Variant Classification Sherloc (09022015). Collection method: clinical testing. Allele origin: germline.
Comment: This sequence change replaces aspartic acid, which is acidic and polar, with alanine, which is neutral and non-polar, at codon 787 of the LZTR1 protein (p.Asp787Ala). This variant is not present in population databases (gnomAD no frequency). This variant has not been reported in the literature in individuals affected with LZTR1-related conditions. Advanced modeling of protein sequence and biophysical properties (such as structural, functional, and spatial information, amino acid conservation, physicochemical variation, residue mobility, and thermodynamic stability) performed at Invitae indicates that this missense variant is not expected to disrupt LZTR1 protein function with a negative predictive value of 80%. In summary, the available evidence is currently insufficient to determine the role of this variant in disease. Therefore, it has been classified as a Variant of Uncertain Significance.